The following is an entry in ClinVar:

ClinVar aggregate classification (germline): Pathogenic (1 of 4 stars; one submission).

Submission:

Labcorp Genetics (formerly Invitae), Labcorp
Classification: Pathogenic. Last evaluated: 2023-12-15. Review status: criteria provided, single submitter. Criteria: Invitae Variant Classification Sherloc (09022015). Collection method: clinical testing. Allele origin: unknown.
Comment: This variant is a gross deletion of the genomic region encompassing exon(s) 4-6 of the ABCG8 gene. This variant would be expected to be in-frame, preserving the integrity of the reading frame. This variant has not been reported in the literature in individuals affected with ABCG8-related conditions. This variant disrupts a region of the ABCG8 protein in which other variant(s) (p.Arg263Gln) have been determined to be pathogenic (PMID: 11452359, 24166850, 24657386, 29886606; Invitae). This suggests that this is a clinically significant region of the protein, and that variants that disrupt it are likely to be disease-causing. For these reasons, this variant has been classified as Pathogenic.

Literature cited by the submitters: PubMed 11452359; PubMed 24166850; PubMed 24657386; PubMed 29886606.

NC_000002.11:g.(?_44078703)_(44080027_?)del

Gene: ABCG8 (ATP binding cassette subfamily G member 8; plus strand). Cytogenetic location: 2p21.
Variant type: Deletion.
Identifiers: ClinVar variation 3247570 (VCV003247570.1).